The following is an entry in ClinVar:

NM_006662.3(SRCAP):c.488_492+7dup

Gene: SRCAP (Snf2 related CREBBP activator protein; plus strand). Cytogenetic location: 16p11.2.
Variant type: Duplication.
Coding change: c.488_492+7dup on transcript NM_006662.3 (MANE Select); coding-DNA position 488 through 7 bases into the intron after coding-DNA position 492, 12 bases duplicated (GGAAGGTAGGTC).
Molecular consequence: splice donor variant.
Genome position (GRCh38, 1-based): chr16:30,707,364-30,707,375, GGAAGGTAGGTC duplicated; duplicating any 12 consecutive bases within chr16:30,707,363-30,707,375 gives the same sequence; the c. name uses the placement nearest the transcript's 3' end. VCF-style (leftmost placement, unchanged base first): chr16-30707362-C-CCGGAAGGTAGGT. GRCh37 (hg19) VCF-style: chr16-30718683-C-CCGGAAGGTAGGT.
Identifiers: ClinVar variation 1389548 (VCV001389548.6), dbSNP rs2151286282, ClinGen allele CA2573152232.
Genomic context (GRCh38, chr16:30,707,362, plus strand): 5'-AGAGATGCAGTGGCTCTCTGCTGACTTTGCTCAGGAGCGCCGTTGGAAACGGGGTGTGGC[C>CCGGAAGGTAGGT]CGGAAGGTAGGTCTTCCGCTGGGACTTCCTTCCTTTTCCTTTTCAGGTCTGTTCCTTCCC-3'

ClinVar aggregate classification (germline): Uncertain significance (1 of 4 stars; one submission).

Submission:

Labcorp Genetics (formerly Invitae), Labcorp
Classification: Uncertain significance. Last evaluated: 2022-07-06. Review status: criteria provided, single submitter. Criteria: Invitae Variant Classification Sherloc (09022015). Collection method: clinical testing. Allele origin: germline.
Comment: In summary, the available evidence is currently insufficient to determine the role of this variant in disease. Therefore, it has been classified as a Variant of Uncertain Significance. ClinVar contains an entry for this variant (Variation ID: 1389548). Algorithms developed to predict the effect of sequence changes on RNA splicing suggest that this variant may create or strengthen a splice site. This variant has not been reported in the literature in individuals affected with SRCAP-related conditions. This variant is not present in population databases (gnomAD no frequency). This sequence change falls in intron 5 of the SRCAP gene. It does not directly change the encoded amino acid sequence of the SRCAP protein.